The following is an entry in ClinVar:

ClinVar aggregate classification (germline): Likely pathogenic (1 of 4 stars; one submission).

Conditions:
Inherited breast cancer and ovarian cancer.

Submission:

Cambridge Genomics Laboratory, East Genomic Laboratory Hub, NHS Genomic Medicine Service
Classification: Likely pathogenic for Inherited breast cancer and ovarian cancer. Last evaluated: 2026-10-02. Review status: criteria provided, single submitter. Criteria: ACGS Best Practice Guidelines for Variant Classification in Rare Disease 2020. Collection method: clinical testing. Allele origin: germline. Affected: yes.
Comment: PS3,PM2,PP3

NM_000059.4(BRCA2):c.7844T>G (p.Ile2615Ser)

Gene: BRCA2 (BRCA2 DNA repair associated; plus strand). Cytogenetic location: 13q13.1.
Variant type: single nucleotide variant.
Coding change: c.7844T>G on transcript NM_000059.4 (MANE Select); coding-DNA position 7844, T replaced by G.
Protein change: p.Ile2615Ser; replaces isoleucine 2615 with serine.
Molecular consequence: missense variant. On other transcripts: non-coding transcript variant (1).
Genome position (GRCh38, 1-based): chr13:32,362,561, T>G. VCF-style: chr13-32362561-T-G. GRCh37 (hg19) VCF-style: chr13-32936698-T-G.
Other names: c.7748T>G, p.Ile2583Ser (NM_001406719.1); c.7844T>G, p.Ile2615Ser (NM_001406720.1, NM_001432077.1); c.2912T>G, p.Ile971Ser (NM_001406721.1); c.1427T>G, p.Ile476Ser (NM_001406722.1); short protein forms I2583S, I2615S, I476S, I971S.
Identifiers: ClinVar variation 5016518 (VCV005016518.1).